The following is an entry in ClinVar:

NM_000059.4(BRCA2):c.8754+816del

Gene: BRCA2 (BRCA2 DNA repair associated; plus strand). Cytogenetic location: 13q13.1.
Variant type: Deletion.
Coding change: c.8754+816del on transcript NM_000059.4 (MANE Select); 816 bases into the intron after coding-DNA position 8754, one base deleted (A; older notation c.8754+816delA).
Molecular consequence: intron variant.
Genome position (GRCh38, 1-based): chr13:32,377,607, A deleted; the last of 17 consecutive A bases (chr13:32,377,591-32,377,607); deleting any one gives the same sequence. VCF-style (leftmost placement, unchanged base first): chr13-32377590-CA-C. GRCh37 (hg19) VCF-style: chr13-32951727-CA-C.
Identifiers: ClinVar variation 264984 (VCV000264984.1), dbSNP rs796964470, ClinGen allele CA10588153.

ClinVar aggregate classification (germline): Benign (3 of 4 stars; one submission).

Conditions:
Breast-ovarian cancer, familial, susceptibility to, 2 (BROVCA2). Also called: BRCA2 Hereditary Breast and Ovarian Cancer. Identifiers: Orphanet 145, MedGen C2675520, MONDO:0012933, OMIM 612555. Disease mechanism: loss of function.

Submission:

Evidence-based Network for the Interpretation of Germline Mutant Alleles (ENIGMA)
Classification: Benign for Breast-ovarian cancer, familial, susceptibility to, 2. Last evaluated: 2016-09-28. Review status: reviewed by expert panel. Criteria: ENIGMA BRCA1/2 Classification Criteria (2015). Collection method: curation. Allele origin: germline.
Comment: Class 1 not pathogenic based on frequency >1% in an outbred sampleset. Frequency 0.8231 (European), 0.7405 (African), 0.8012 (Admixed American/Latino), 0.8472 (East Asian), 0.8252 (South Asian), derived from 1000 genomes (2013-05-02).